The following is an entry in ClinVar:

ClinVar aggregate classification (germline): Uncertain significance (1 of 4 stars; one submission).

Conditions:
Familial cancer of breast. Also called: Hereditary breast cancer; hereditary breast carcinoma; BREAST CANCER, FAMILIAL. Identifiers: Orphanet 227535, MedGen C0346153, MONDO:0016419, OMIM 114480. Disease mechanism: loss of function.
Fanconi anemia complementation group J. Also called: BRIP1-Related Fanconi Anemia. Identifiers: Orphanet 84, MedGen C1836860, MONDO:0012187, OMIM 609054.

Submission:

Labcorp Genetics (formerly Invitae), Labcorp
Classification: Uncertain significance for Familial cancer of breast; Fanconi anemia complementation group J. Last evaluated: 2017-06-21. Review status: criteria provided, single submitter. Criteria: Invitae Variant Classification Sherloc (09022015). Collection method: clinical testing. Allele origin: germline.
Comment: In summary, the available evidence is currently insufficient to determine the role of this variant in disease. Therefore, it has been classified as a Variant of Uncertain Significance. Algorithms developed to predict the effect of missense changes on protein structure and function do not agree on the potential impact of this missense change (SIFT: "Deleterious"; PolyPhen-2: "Probably Damaging"; Align-GVGD: "Class C0"). This variant has not been reported in the literature in individuals with BRIP1-related disease. ClinVar contains an entry for this variant (Variation ID: 407823). This variant is not present in population databases (ExAC no frequency). This sequence change replaces glutamine with histidine at codon 554 of the BRIP1 protein (p.Gln554His). The glutamine residue is moderately conserved and there is a small physicochemical difference between glutamine and histidine.

NM_032043.3(BRIP1):c.1662G>C (p.Gln554His)

Gene: BRIP1 (BRCA1 interacting DNA helicase 1; minus strand). Cytogenetic location: 17q23.2.
Variant type: single nucleotide variant.
Coding change: c.1662G>C on transcript NM_032043.3 (MANE Select); coding-DNA position 1662, G replaced by C.
Protein change: p.Gln554His; replaces glutamine 554 with histidine.
Molecular consequence: missense variant.
Genome position (GRCh38, 1-based): chr17:61,780,972, C>G on the plus strand (G>C on the coding strand, the complement: BRIP1 is on the minus strand). VCF-style: chr17-61780972-C-G. GRCh37 (hg19) VCF-style: chr17-59858333-C-G.
Other names: short protein forms Q554H.
Identifiers: ClinVar variation 407823 (VCV000407823.9), dbSNP rs1060501749, ClinGen allele CA16615489.
Genomic context (GRCh38, chr17:61,780,972, plus strand): 5'-TGGTAGAACCAACAACCCATTTTTGTCTGAAATATCAATCTGATTTGTCCAGGAGTAAGT[C>G]TGTTGAATCGCAATTTTATAATCATCTGCAAATCTAGATGCAAAGAAAGTGCTAATTAAG-3'
Protein context (NP_114432.2, residues 544-564): FADDYKIAIQ[Gln554His]TYSWTNQIDI